The following is an entry in ClinVar:

ClinVar aggregate classification (germline): Likely benign (1 of 4 stars; one submission).

Allele frequency attached by ClinVar (database versions not stated): ESP Exome Variant Server 0.00038; gnomAD exomes 0.00045; gnomAD 0.00054; TOPMed 0.00055; ExAC 0.00086; 1000 Genomes Project 0.00160; 1000 Genomes Project 30x 0.00172.
gnomAD v4.1: 755 of 1,612,274 alleles (0.047%); highest among the groups gnomAD compares: East Asian, 0.46%; 2 homozygotes.

Submission:

CeGaT Center for Human Genetics Tuebingen
Classification: Likely benign. Last evaluated: 2023-02-01. Review status: criteria provided, single submitter. Criteria: CeGaT Center For Human Genetics Tuebingen Variant Classification Criteria Version 2. Collection method: clinical testing. Allele origin: germline. Affected: yes. Observed: 1 variant allele.
Comment: SULF2: BP4, BP7, BS2

NM_001387048.1(SULF2):c.555C>T (p.Ser185=)

Gene: SULF2 (sulfatase 2; minus strand). Cytogenetic location: 20q13.12.
Variant type: single nucleotide variant.
Coding change: c.555C>T on transcript NM_001387048.1 (MANE Select); coding-DNA position 555, C replaced by T.
Protein change: p.Ser185=; no amino-acid change (serine 185 retained).
Molecular consequence: synonymous variant.
Genome position (GRCh38, 1-based): chr20:47,702,531, G>A on the plus strand (C>T on the coding strand, the complement: SULF2 is on the minus strand). VCF-style: chr20-47702531-G-A. GRCh37 (hg19) VCF-style: chr20-46331275-G-A.
Other names: c.555C>T, p.Ser185= (NM_001387053.1, NM_001387054.1, NM_001387055.1 and 7 more transcripts).
Identifiers: ClinVar variation 2652378 (VCV002652378.24), dbSNP rs61730619, ClinGen allele CA9896178.
Genomic context (GRCh38, chr20:47,702,531, plus strand): 5'-ACTGCTGGGCCACACAGCCACTCCCAGGCTGGAAAGGTTGCAGCTTACCTTGGAGTAGTC[G>A]GAGCCGTGCTTCTCTTTCACCCCGTTCCGACACAGCGTGTAGTTATAAAAGCGGGAGTTT-3'
Protein context (NP_001373977.1, residues 175-195): CRNGVKEKHG[Ser185=]DYSKDYLTDL